The following is an entry in ClinVar:

ClinVar aggregate classification (germline): Uncertain significance (1 of 4 stars; one submission).

Conditions:
Inborn genetic diseases. Identifiers: MedGen C0950123, MeSH D030342.

Submission:

Ambry Genetics
Classification: Uncertain significance for Inborn genetic diseases. Last evaluated: 2025-06-17. Review status: criteria provided, single submitter. Criteria: Ambry Variant Classification Scheme 2023. Collection method: clinical testing. Allele origin: germline.
Comment: The p.E122K variant (also known as c.364G>A), located in coding exon 3 of the CEP57 gene, results from a G to A substitution at nucleotide position 364. The glutamic acid at codon 122 is replaced by lysine, an amino acid with similar properties. This amino acid position is conserved. In addition, the in silico prediction for this alteration is inconclusive. Based on the available evidence, the clinical significance of this variant remains unclear.

NM_014679.5(CEP57):c.364G>A (p.Glu122Lys)

Gene: CEP57 (centrosomal protein 57; plus strand). Cytogenetic location: 11q21.
Variant type: single nucleotide variant.
Coding change: c.364G>A on transcript NM_014679.5 (MANE Select); coding-DNA position 364, G replaced by A.
Protein change: p.Glu122Lys; replaces glutamic acid 122 with lysine.
Molecular consequence: missense variant. On other transcripts: intron variant (3).
Genome position (GRCh38, 1-based): chr11:95,813,093, G>A. VCF-style: chr11-95813093-G-A. GRCh37 (hg19) VCF-style: chr11-95546257-G-A.
Other names: c.337G>A, p.Glu113Lys (NM_001243776.2); c.364G>A, p.Glu122Lys (NM_001243777.2, NM_001440871.1, NM_001440872.1 and 4 more transcripts); c.283G>A, p.Glu95Lys (NM_001363604.2, NM_001440869.1, NM_001440870.1 and 3 more transcripts); c.203-375G>A (NM_001440873.1, NM_001440881.1); c.122-375G>A (NM_001440880.1); short protein forms E95K, E113K, E122K.
Identifiers: ClinVar variation 4226329 (VCV004226329.1).